The following is an entry in ClinVar:

NM_005334.3(HCFC1):c.765C>T (p.Arg255=)

Gene: HCFC1 (host cell factor C1; minus strand). Cytogenetic location: Xq28.
Variant type: single nucleotide variant.
Coding change: c.765C>T on transcript NM_005334.3 (MANE Select); coding-DNA position 765, C replaced by T.
Protein change: p.Arg255=; no amino-acid change (arginine 255 retained).
Molecular consequence: synonymous variant.
Genome position (GRCh38, 1-based): chrX:153,962,254, G>A on the plus strand (C>T on the coding strand, the complement: HCFC1 is on the minus strand). VCF-style: chrX-153962254-G-A. GRCh37 (hg19) VCF-style: chrX-153227705-G-A.
Other names: p.Arg255=; c.765C>T, p.Arg255= (NM_001440851.1, NM_001410705.1, NM_001440843.1 and 7 more transcripts).
Identifiers: ClinVar variation 4684542 (VCV004684542.1).

ClinVar aggregate classification (germline): Likely benign (1 of 4 stars; one submission).

gnomAD v4.1: 1 of 1,210,238 alleles (0.000083%); highest among the groups gnomAD compares: Non-Finnish European, 0.00011%; no homozygotes.

Submission:

Mayo Clinic Laboratories, Mayo Clinic
Classification: Likely benign. Last evaluated: 2025-10-07. Review status: criteria provided, single submitter. Criteria: ACMG Guidelines, 2015. Collection method: clinical testing. Allele origin: germline. Observed: 1 variant allele.
Comment: BP4, BP7